The following is an entry in ClinVar:

NM_004360.5(CDH1):c.381C>T (p.Pro127=)

Gene: CDH1 (cadherin 1; plus strand). Cytogenetic location: 16q22.1.
Variant type: single nucleotide variant.
Coding change: c.381C>T on transcript NM_004360.5 (MANE Select); coding-DNA position 381, C replaced by T.
Protein change: p.Pro127=; no amino-acid change (proline 127 retained).
Molecular consequence: synonymous variant. On other transcripts: 5 prime UTR variant (2).
Genome position (GRCh38, 1-based): chr16:68,801,887, C>T. VCF-style: chr16-68801887-C-T. GRCh37 (hg19) VCF-style: chr16-68835790-C-T.
Other names: c.381C>T, p.Pro127= (NM_001317184.2); c.-1235C>T (NM_001317185.2); c.-1439C>T (NM_001317186.2); c.381C>T (LRG_301t1).
Identifiers: ClinVar variation 385117 (VCV000385117.13), dbSNP rs62055766, ClinGen allele CA16608234.
Genomic context (GRCh38, chr16:68,801,887, plus strand): 5'-CAGAAAGTTTTCCACCAAAGTCACGCTGAATACAGTGGGGCACCACCACCGCCCCCCGCC[C>T]CATCAGGTATGTTGGCATTTTTCTGAGAAGTTCGCTGTTGTTTTAGTGCGCTGTCTAATC-3'
Protein context (NP_004351.1, residues 117-137): NTVGHHHRPP[Pro127=]HQASVSGIQA

ClinVar aggregate classification (germline): Benign/Likely benign. Review status: criteria provided, multiple submitters, no conflicts (2 of 4 stars). 5 submissions from 5 submitters: Benign (1); Likely benign (4). Last evaluated 2025-01-10.

Conditions:
Hereditary diffuse gastric adenocarcinoma (HDGC). Also called: DIFFUSE GASTRIC AND LOBULAR BREAST CANCER SYNDROME. Identifiers: Orphanet 26106, MedGen C1708349, MONDO:0007648, OMIM 137215.
Hereditary cancer-predisposing syndrome. Also called: Neoplastic Syndromes, Hereditary; Hereditary neoplastic syndrome; Tumor predisposition; Hereditary Cancer Syndrome. Identifiers: Orphanet 140162, MedGen C0027672, MeSH D009386, MONDO:0015356.

Allele frequency attached by ClinVar (database versions not stated): gnomAD exomes below 0.00001; TOPMed below 0.00001.
gnomAD v4.1: 1 of 1,613,368 alleles (0.000062%); highest among the groups gnomAD compares: Non-Finnish European, 0.000085%; no homozygotes.

Submissions (5):

Ambry Genetics
Classification: Likely benign for Hereditary cancer-predisposing syndrome. Last evaluated: 2025-01-10. Review status: criteria provided, single submitter. Criteria: Ambry Variant Classification Scheme 2023. Collection method: clinical testing. Allele origin: germline.

Myriad Genetics, Inc.
Classification: Benign for Hereditary diffuse gastric adenocarcinoma. Last evaluated: 2024-09-12. Review status: criteria provided, single submitter. Criteria: Myriad Autosomal Dominant, Autosomal Recessive and X-Linked Classification Criteria (2023). Collection method: clinical testing. Allele origin: unknown.
Comment: This variant is considered benign. This variant is a silent/synonymous amino acid change and it is not expected to impact splicing.

Labcorp Genetics (formerly Invitae), Labcorp
Classification: Likely benign for Hereditary diffuse gastric adenocarcinoma. Last evaluated: 2021-02-12. Review status: criteria provided, single submitter. Criteria: Invitae Variant Classification Sherloc (09022015). Collection method: clinical testing. Allele origin: germline.

Color Diagnostics, LLC DBA Color Health
Classification: Likely benign for Hereditary cancer-predisposing syndrome. Last evaluated: 2017-12-15. Review status: criteria provided, single submitter. Criteria: ACMG Guidelines, 2015. Collection method: clinical testing. Allele origin: germline.

GeneDx
Classification: Likely benign. Last evaluated: 2016-03-26. Review status: criteria provided, single submitter. Criteria: GeneDx Variant Classification (06012015). Collection method: clinical testing. Allele origin: germline. Affected: yes.
Comment: This variant is considered likely benign or benign based on one or more of the following criteria: it is a conservative change, it occurs at a poorly conserved position in the protein, it is predicted to be benign by multiple in silico algorithms, and/or has population frequency not consistent with disease.